The following is an entry in ClinVar:

NM_001004334.4(GPR179):c.761A>G (p.Tyr254Cys)

Gene: GPR179 (G protein-coupled receptor 179; minus strand). Cytogenetic location: 17q12.
Variant type: single nucleotide variant.
Coding change: c.761A>G on transcript NM_001004334.4 (MANE Select); coding-DNA position 761, A replaced by G.
Protein change: p.Tyr254Cys; replaces tyrosine 254 with cysteine.
Molecular consequence: missense variant.
Genome position (GRCh38, 1-based): chr17:38,343,029, T>C on the plus strand (A>G on the coding strand, the complement: GPR179 is on the minus strand). VCF-style: chr17-38343029-T-C. GRCh37 (hg19) VCF-style: chr17-36498912-T-C.
Other names: c.761A>G (NM_001004334.2); short protein forms Y254C.
Identifiers: ClinVar variation 1062082 (VCV001062082.7), dbSNP rs370354796, ClinGen allele CA290111335.

ClinVar aggregate classification (germline): Uncertain significance. Review status: criteria provided, multiple submitters, no conflicts (2 of 4 stars). 2 submissions from 2 submitters: Uncertain significance (2). Last evaluated 2024-11-15.

Conditions:
Inborn genetic diseases. Identifiers: MedGen C0950123, MeSH D030342.

Allele frequency attached by ClinVar (database versions not stated): gnomAD exomes below 0.00001; gnomAD 0.00001; ExAC 0.00003; TOPMed 0.00004; ESP Exome Variant Server 0.00016.

Submissions (2):

Ambry Genetics
Classification: Uncertain significance for Inborn genetic diseases. Last evaluated: 2024-11-15. Review status: criteria provided, single submitter. Criteria: Ambry Variant Classification Scheme 2023. Collection method: clinical testing. Allele origin: germline.

Labcorp Genetics (formerly Invitae), Labcorp
Classification: Uncertain significance. Last evaluated: 2022-03-18. Review status: criteria provided, single submitter. Criteria: Invitae Variant Classification Sherloc (09022015). Collection method: clinical testing. Allele origin: germline.
Comment: In summary, the available evidence is currently insufficient to determine the role of this variant in disease. Therefore, it has been classified as a Variant of Uncertain Significance. Algorithms developed to predict the effect of missense changes on protein structure and function (SIFT, PolyPhen-2, Align-GVGD) all suggest that this variant is likely to be disruptive. ClinVar contains an entry for this variant (Variation ID: 1062082). This variant has not been reported in the literature in individuals affected with GPR179-related conditions. This variant is present in population databases (rs370354796, gnomAD 0.01%). This sequence change replaces tyrosine, which is neutral and polar, with cysteine, which is neutral and slightly polar, at codon 254 of the GPR179 protein (p.Tyr254Cys).